The following is an entry in ClinVar:

NM_014806.5(RUSC2):c.991T>G (p.Ser331Ala)

Gene: RUSC2 (RUN and SH3 domain containing 2; plus strand). Cytogenetic location: 9p13.3.
Variant type: single nucleotide variant.
Coding change: c.991T>G on transcript NM_014806.5 (MANE Select); coding-DNA position 991, T replaced by G.
Protein change: p.Ser331Ala; replaces serine 331 with alanine.
Molecular consequence: missense variant. On other transcripts: non-coding transcript variant (1), intron variant (1).
Genome position (GRCh38, 1-based): chr9:35,547,512, T>G. VCF-style: chr9-35547512-T-G. GRCh37 (hg19) VCF-style: chr9-35547509-T-G.
Other names: c.991T>G, p.Ser331Ala (NM_001135999.2); c.-620-7548T>G (NM_001330740.2); short protein forms S331A.
Identifiers: ClinVar variation 2113478 (VCV002113478.4), dbSNP rs368226595, ClinGen allele CA5043572.

ClinVar aggregate classification (germline): Uncertain significance (1 of 4 stars; one submission).

Allele frequency attached by ClinVar (database versions not stated): TOPMed below 0.00001; ExAC 0.00001; ESP Exome Variant Server 0.00008.

Submission:

Labcorp Genetics (formerly Invitae), Labcorp
Classification: Uncertain significance. Last evaluated: 2022-03-18. Review status: criteria provided, single submitter. Criteria: Invitae Variant Classification Sherloc (09022015). Collection method: clinical testing. Allele origin: germline.
Comment: Algorithms developed to predict the effect of missense changes on protein structure and function are either unavailable or do not agree on the potential impact of this missense change (SIFT: "Tolerated"; PolyPhen-2: "Probably Damaging"; Align-GVGD: "Class C0"). In summary, the available evidence is currently insufficient to determine the role of this variant in disease. Therefore, it has been classified as a Variant of Uncertain Significance. This variant has not been reported in the literature in individuals affected with RUSC2-related conditions. This variant is present in population databases (rs368226595, gnomAD 0.0009%). This sequence change replaces serine, which is neutral and polar, with alanine, which is neutral and non-polar, at codon 331 of the RUSC2 protein (p.Ser331Ala).